The following is an entry in ClinVar:

NM_001256545.2(MEGF10):c.1199G>A (p.Cys400Tyr)

Gene: MEGF10 (multiple EGF like domains 10; plus strand). Cytogenetic location: 5q23.2.
Variant type: single nucleotide variant.
Coding change: c.1199G>A on transcript NM_001256545.2 (MANE Select); coding-DNA position 1199, G replaced by A.
Protein change: p.Cys400Tyr; replaces cysteine 400 with tyrosine.
Molecular consequence: missense variant.
Genome position (GRCh38, 1-based): chr5:127,417,706, G>A. VCF-style: chr5-127417706-G-A. GRCh37 (hg19) VCF-style: chr5-126753398-G-A.
Other names: c.1199G>A, p.Cys400Tyr (NM_001308119.2, NM_001308121.2, NM_032446.3); short protein forms C400Y.
Identifiers: ClinVar variation 1486887 (VCV001486887.6), dbSNP rs2126967674, ClinGen allele CA360728011.

ClinVar aggregate classification (germline): Uncertain significance (1 of 4 stars; one submission).

Conditions:
MEGF10-related myopathy (CMYO10A). Also called: Congenital myopathy 10A, severe variant. Identifiers: Orphanet 439212, MedGen C3280679, MONDO:0013731, OMIM 614399.

Submission:

Labcorp Genetics (formerly Invitae), Labcorp
Classification: Uncertain significance for MEGF10-related myopathy. Last evaluated: 2021-11-04. Review status: criteria provided, single submitter. Criteria: Invitae Variant Classification Sherloc (09022015). Collection method: clinical testing. Allele origin: germline.
Comment: This sequence change replaces cysteine, which is neutral and slightly polar, with tyrosine, which is neutral and polar, at codon 400 of the MEGF10 protein (p.Cys400Tyr). This variant is not present in population databases (gnomAD no frequency). This variant has not been reported in the literature in individuals affected with MEGF10-related conditions. Algorithms developed to predict the effect of missense changes on protein structure and function (SIFT, PolyPhen-2, Align-GVGD) all suggest that this variant is likely to be disruptive. In summary, the available evidence is currently insufficient to determine the role of this variant in disease. Therefore, it has been classified as a Variant of Uncertain Significance.